The following is an entry in ClinVar:

ClinVar aggregate classification (germline): Benign. Review status: criteria provided, single submitter (1 of 4 stars). 2 submissions from 2 submitters: Benign (1). 1 of the submissions does not count toward it. Last evaluated 2017-11-18.

Conditions:
ZFHX3-related disorder. Also called: ZFHX3-related condition.

Allele frequency attached by ClinVar (database versions not stated): TOPMed 0.00546; 1000 Genomes Project 30x 0.00578; 1000 Genomes Project 0.00599; ESP Exome Variant Server 0.00640.
gnomAD v4.1: 1,357 of 1,614,120 alleles (0.084%); highest among the groups gnomAD compares: African/African-American, 1.6%; 18 homozygotes.

Submissions (2):

Labcorp Genetics (formerly Invitae), Labcorp
Classification: Benign. Last evaluated: 2017-11-18. Review status: criteria provided, single submitter. Criteria: Invitae Variant Classification Sherloc (09022015). Collection method: clinical testing. Allele origin: germline.

PreventionGenetics, part of Exact Sciences
Classification: Benign for ZFHX3-related condition. Last evaluated: 2019-11-16. Review status: no assertion criteria provided. Collection method: clinical testing. Allele origin: germline. Not counted in ClinVar's aggregate classification.
Comment: This variant is classified as benign based on ACMG/AMP sequence variant interpretation guidelines (Richards et al. 2015 PMID: 25741868, with internal and published modifications).

NM_006885.4(ZFHX3):c.1314G>T (p.Ala438=)

Gene: ZFHX3 (zinc finger homeobox 3; minus strand). Cytogenetic location: 16q22.3.
Variant type: single nucleotide variant.
Coding change: c.1314G>T on transcript NM_006885.4 (MANE Select); coding-DNA position 1314, G replaced by T.
Protein change: p.Ala438=; no amino-acid change (alanine 438 retained).
Molecular consequence: synonymous variant. On other transcripts: intron variant (1).
Genome position (GRCh38, 1-based): chr16:72,958,832, C>A on the plus strand (G>T on the coding strand, the complement: ZFHX3 is on the minus strand). VCF-style: chr16-72958832-C-A. GRCh37 (hg19) VCF-style: chr16-72992731-C-A.
Other names: c.-23-7867G>T (NM_001164766.2).
Identifiers: ClinVar variation 714848 (VCV000714848.5), dbSNP rs8046150, ClinGen allele CA8164769.
Genomic context (GRCh38, chr16:72,958,832, plus strand): 5'-TGGCTCTACCTTCTCAGAGAAGCAATCCCCGTCGCCCACTTCCTGCTTCTCTCCTTCTGC[C>A]GCCCCAGAGTCCTTGCCCTCTGAGGATTTGGTAGGACTGGAAGCCAGAGGCCCCAGGGGG-3'
Protein context (NP_008816.3, residues 428-448): TKSSEGKDSG[Ala438=]AEGEKQEVGD